The following is an entry in ClinVar:

ClinVar aggregate classification (germline): Uncertain significance (1 of 4 stars; one submission).

Conditions:
Arrhythmogenic cardiomyopathy with wooly hair and keratoderma. Also called: PALMOPLANTAR KERATODERMA WITH LEFT VENTRICULAR CARDIOMYOPATHY AND WOOLLY HAIR; Carvajal syndrome; Dilated cardiomyopathy with woolly hair and keratoderma; Arrhythmogenic cardiomyopathy with woolly hair and keratoderma. Identifiers: Orphanet 65282, MedGen C1854063, MONDO:0011581, OMIM 605676.

Submission:

All of Us Research Program, National Institutes of Health
Classification: Uncertain significance for Arrhythmogenic cardiomyopathy with wooly hair and keratoderma. Last evaluated: 2023-07-19. Review status: criteria provided, single submitter. Criteria: ACMG Guidelines, 2015. Collection method: clinical testing. Allele origin: germline. Inheritance: Autosomal dominant inheritance. Observed: 1 variant allele, 1 heterozygote.
Comment: This variant causes deletion of three nucleotides in intron 5 of the DSP gene. To our knowledge, functional studies have not been reported for this variant. This variant has not been reported in individuals affected with DSP-related disorders in the literature. This variant has not been identified in the general population by the Genome Aggregation Database (gnomAD). The available evidence is insufficient to determine the role of this variant in disease conclusively. Therefore, this variant is classified as a Variant of Uncertain Significance.

This study involves interpretation of variants in research participants for the purpose of population health screening. Participant phenotype was not available at the time of variant classification. Additional details can be found in publication PMID: 35346344, PMCID: PMC8962531

NM_004415.4(DSP):c.727-10_727-8del

Gene: DSP (desmoplakin; plus strand). Cytogenetic location: 6p24.3.
Variant type: Microsatellite.
Coding change: c.727-10_727-8del on transcript NM_004415.4 (MANE Select); 10 bases into the intron before coding-DNA position 727 through 8 bases into the intron before coding-DNA position 727, 3 bases deleted (TGT; older notation c.727-10_727-8delTGT).
Molecular consequence: intron variant.
Genome position (GRCh38, 1-based): chr6:7,563,726-7,563,728, TGT deleted; deleting any 3 consecutive bases within chr6:7,563,722-7,563,728 gives the same sequence; the c. name uses the placement nearest the transcript's 3' end. VCF-style (leftmost placement, unchanged base first): chr6-7563721-TTTG-T. GRCh37 (hg19) VCF-style: chr6-7563954-TTTG-T.
Other names: c.727-10_727-8del (NM_001319034.2, NM_001008844.3, NM_001406591.1).
Identifiers: ClinVar variation 3072474 (VCV003072474.1), dbSNP rs2533866819, ClinGen allele CA2825001475.
Genomic context (GRCh38, chr6:7,563,721, plus strand): 5'-AGGCTTAGAAGGGCCACTCTTTTCTATACAATCCACAAGGGGATTTATATCTACCTGCTT[TTTG>T]TTGTCTTCTAGCGCGAGAAATCTGCGATCTACCAGTTGGAGGAGGAGTATGAAAACCTGC-3'